The following is an entry in ClinVar:

NM_198578.4(LRRK2):c.3670G>A (p.Glu1224Lys)

Gene: LRRK2 (leucine rich repeat kinase 2; plus strand). Cytogenetic location: 12q12.
Variant type: single nucleotide variant.
Coding change: c.3670G>A on transcript NM_198578.4 (MANE Select); coding-DNA position 3670, G replaced by A.
Protein change: p.Glu1224Lys; replaces glutamic acid 1224 with lysine.
Molecular consequence: missense variant.
Genome position (GRCh38, 1-based): chr12:40,304,027, G>A. VCF-style: chr12-40304027-G-A. GRCh37 (hg19) VCF-style: chr12-40697829-G-A.
Other names: short protein forms E1224K.
Identifiers: ClinVar variation 3540747 (VCV003540747.1).
Genomic context (GRCh38, chr12:40,304,027, plus strand): 5'-AGCAGCAATGATATTCAGTACCTACCAGGTCCCGCACACTGGAAATCTTTGAACTTAAGG[G>A]AACTCTTATTTAGCCATAATCAGATCAGCATCTTGGACTTGAGTGAAAAAGCATATTTAT-3'
Protein context (NP_940980.4, residues 1214-1234): PAHWKSLNLR[Glu1224Lys]LLFSHNQISI

ClinVar aggregate classification (germline): Uncertain significance (1 of 4 stars; one submission).

Conditions:
Inborn genetic diseases. Identifiers: MedGen C0950123, MeSH D030342.

Submission:

Ambry Genetics
Classification: Uncertain significance for Inborn genetic diseases. Last evaluated: 2024-10-24. Review status: criteria provided, single submitter. Criteria: Ambry Variant Classification Scheme 2023. Collection method: clinical testing. Allele origin: germline.
Comment: The p.E1224K variant (also known as c.3670G>A), located in coding exon 27 of the LRRK2 gene, results from a G to A substitution at nucleotide position 3670. The glutamic acid at codon 1224 is replaced by lysine, an amino acid with similar properties. This amino acid position is conserved. In addition, this alteration is predicted to be deleterious by in silico analysis. Based on the available evidence, the clinical significance of this variant remains unclear.